The following is an entry in ClinVar:

NM_021976.5(RXRB):c.1206C>T (p.His402=)

Gene: RXRB (retinoid X receptor beta; minus strand). Cytogenetic location: 6p21.32.
Variant type: single nucleotide variant.
Coding change: c.1206C>T on transcript NM_021976.5 (MANE Select); coding-DNA position 1206, C replaced by T.
Protein change: p.His402=; no amino-acid change (histidine 402 retained).
Molecular consequence: synonymous variant.
Genome position (GRCh38, 1-based): chr6:33,195,620, G>A on the plus strand (C>T on the coding strand, the complement: RXRB is on the minus strand). VCF-style: chr6-33195620-G-A. GRCh37 (hg19) VCF-style: chr6-33163397-G-A.
Other names: c.1206C>T, p.His402= (NM_001270401.2); c.636C>T, p.His212= (NM_001291989.2).
Identifiers: ClinVar variation 3049286 (VCV003049286.2), dbSNP rs184921826, ClinGen allele CA3751866.
Genomic context (GRCh38, chr6:33,195,620, plus strand): 5'-GGCCACTGACCGATCAAAGATGGCTCCTACTCCTGCTGAATGGGCTGAGTTGCGGTGCAC[G>A]TGAAGACCTGTGGCAAGGAGGATGCCATCTCGAACATCAATGGATCGGTGTGAGAAGGAG-3'
Protein context (NP_068811.1, residues 392-412): RDGILLATGL[His402=]VHRNSAHSAG

ClinVar aggregate classification (germline): Likely benign (0 of 4 stars; one submission).

Conditions:
RXRB-related disorder. Also called: RXRB-related condition.

Allele frequency attached by ClinVar (database versions not stated): gnomAD exomes 0.00014; gnomAD 0.00019; ExAC 0.00025; TOPMed 0.00027; 1000 Genomes Project 0.00060; 1000 Genomes Project 30x 0.00062.
gnomAD v4.1: 247 of 1,613,088 alleles (0.015%); highest among the groups gnomAD compares: East Asian, 0.33%; no homozygotes.

Submission:

PreventionGenetics, part of Exact Sciences
Classification: Likely benign for RXRB-related condition. Last evaluated: 2019-07-10. Review status: no assertion criteria provided. Collection method: clinical testing. Allele origin: germline.
Comment: This variant is classified as likely benign based on ACMG/AMP sequence variant interpretation guidelines (Richards et al. 2015 PMID: 25741868, with internal and published modifications).